The following is an entry in ClinVar:

ClinVar aggregate classification (germline): Uncertain significance. Review status: criteria provided, multiple submitters, no conflicts (2 of 4 stars). 2 submissions from 2 submitters: Uncertain significance (2). Last evaluated 2023-02-15.

Conditions:
Inborn genetic diseases. Identifiers: MedGen C0950123, MeSH D030342.
Combined immunodeficiency due to DOCK8 deficiency (HIES2). Also called: Hyper-IgE recurrent infection syndrome, autosomal recessive; HIES autosomal recessive; HYPER-IgE RECURRENT INFECTION SYNDROME 2, AUTOSOMAL RECESSIVE; DOCK8 Deficiency; HYPER-IgE SYNDROME 2, AUTOSOMAL RECESSIVE, WITH RECURRENT INFECTIONS. Identifiers: Orphanet 217390, MedGen C4722305, MONDO:0009478, OMIM 243700.

Submissions (2):

Ambry Genetics
Classification: Uncertain significance for Inborn genetic diseases. Last evaluated: 2023-02-15. Review status: criteria provided, single submitter. Criteria: Ambry Variant Classification Scheme 2023. Collection method: clinical testing. Allele origin: germline.

Labcorp Genetics (formerly Invitae), Labcorp
Classification: Uncertain significance for Combined immunodeficiency due to DOCK8 deficiency. Last evaluated: 2022-04-26. Review status: criteria provided, single submitter. Criteria: Invitae Variant Classification Sherloc (09022015). Collection method: clinical testing. Allele origin: germline.
Comment: This sequence change replaces valine, which is neutral and non-polar, with leucine, which is neutral and non-polar, at codon 804 of the DOCK8 protein (p.Val804Leu). The frequency data for this variant in the population databases is considered unreliable, as metrics indicate poor data quality at this position in the gnomAD database. This variant has not been reported in the literature in individuals affected with DOCK8-related conditions. Algorithms developed to predict the effect of missense changes on protein structure and function (SIFT, PolyPhen-2, Align-GVGD) all suggest that this variant is likely to be tolerated. In summary, the available evidence is currently insufficient to determine the role of this variant in disease. Therefore, it has been classified as a Variant of Uncertain Significance.

NM_203447.4(DOCK8):c.2410G>T (p.Val804Leu)

Gene: DOCK8 (dedicator of cytokinesis 8; plus strand). Cytogenetic location: 9p24.3.
Variant type: single nucleotide variant.
Coding change: c.2410G>T on transcript NM_203447.4 (MANE Select); coding-DNA position 2410, G replaced by T.
Protein change: p.Val804Leu; replaces valine 804 with leucine.
Molecular consequence: missense variant.
Genome position (GRCh38, 1-based): chr9:377,181, G>T. VCF-style: chr9-377181-G-T. GRCh37 (hg19) VCF-style: chr9-377181-G-T.
Other names: c.2206G>T, p.Val736Leu (NM_001190458.2, NM_001193536.2); short protein forms V736L, V804L.
Identifiers: ClinVar variation 2023452 (VCV002023452.6), dbSNP rs150038381, ClinGen allele CA372763531.